The following is an entry in ClinVar:

ClinVar aggregate classification (germline): Benign/Likely benign. Review status: criteria provided, multiple submitters, no conflicts (2 of 4 stars). 4 submissions from 3 submitters: Benign (2); Likely benign (2). Last evaluated 2023-05-01.

Conditions:
Familial spontaneous pneumothorax (PSP). Identifiers: Orphanet 2903, MedGen C1868193, MONDO:0008259, OMIM 173600.
Birt-Hogg-Dube syndrome. Also called: Birt Hogg Dubé syndrome. Identifiers: Orphanet 122, MedGen C0346010, MONDO:0800444.

Allele frequency attached by ClinVar (database versions not stated): 1000 Genomes Project 0.00459; TOPMed 0.00484; gnomAD 0.00760 and 0.00772; gnomAD exomes 0.01818; 1000 Genomes Project 30x 0.00437.
gnomAD v4.1: 1,159 of 152,566 alleles (0.76%); highest among the groups gnomAD compares: Non-Finnish European, 1.1%; 15 homozygotes.

Submissions (4):

CeGaT Center for Human Genetics Tuebingen
Classification: Benign. Last evaluated: 2023-05-01. Review status: criteria provided, single submitter. Criteria: CeGaT Center For Human Genetics Tuebingen Variant Classification Criteria Version 2. Collection method: clinical testing. Allele origin: germline. Affected: yes. Observed: 9 variant alleles.
Comment: FLCN: BS1, BS2

GeneDx
Classification: Likely benign. Last evaluated: 2018-06-18. Review status: criteria provided, single submitter. Criteria: GeneDx Variant Classification (06012015). Collection method: clinical testing. Allele origin: germline. Affected: yes.
Comment: This variant is considered likely benign or benign based on one or more of the following criteria: it is a conservative change, it occurs at a poorly conserved position in the protein, it is predicted to be benign by multiple in silico algorithms, and/or has population frequency not consistent with disease.

Illumina Laboratory Services, Illumina
Classification: Likely benign for Familial spontaneous pneumothorax. Last evaluated: 2018-01-13. Review status: criteria provided, single submitter. Criteria: ICSL Variant Classification Criteria 13 December 2019. Collection method: clinical testing. Allele origin: germline.
Comment: This variant was observed in the ICSL laboratory as part of a predisposition screen in an ostensibly healthy population. It had not been previously curated by ICSL or reported in the Human Gene Mutation Database (HGMD: prior to June 1st, 2018), and was therefore a candidate for classification through an automated scoring system. Utilizing variant allele frequency, disease prevalence and penetrance estimates, and inheritance mode, an automated score was calculated to assess if this variant is too frequent to cause the disease. Based on the score and internal cut-off values, a variant classified as likely benign is not then subjected to further curation. The score for this variant resulted in a classification of likely benign for this disease.

Illumina Laboratory Services, Illumina
Classification: Benign for Birt-Hogg-Dube syndrome 1. Last evaluated: 2018-01-13. Review status: criteria provided, single submitter. Criteria: ICSL Variant Classification Criteria 13 December 2019. Collection method: clinical testing. Allele origin: germline.
Comment: This variant was observed in the ICSL laboratory as part of a predisposition screen in an ostensibly healthy population. It had not been previously curated by ICSL or reported in the Human Gene Mutation Database (HGMD: prior to June 1st, 2018), and was therefore a candidate for classification through an automated scoring system. Utilizing variant allele frequency, disease prevalence and penetrance estimates, and inheritance mode, an automated score was calculated to assess if this variant is too frequent to cause the disease. Based on the score and internal cut-off values, a variant classified as benign is not then subjected to further curation. The score for this variant resulted in a classification of benign for this disease.

NM_144997.7(FLCN):c.-176G>A

Gene: FLCN (folliculin; minus strand). Cytogenetic location: 17p11.2.
Variant type: single nucleotide variant.
Coding change: c.-176G>A on transcript NM_144997.7 (MANE Select); 176 bases upstream of the start codon, G replaced by A.
Molecular consequence: 5 prime UTR variant.
Genome position (GRCh38, 1-based): chr17:17,232,850, C>T on the plus strand (G>A on the coding strand, the complement: FLCN is on the minus strand). VCF-style: chr17-17232850-C-T. GRCh37 (hg19) VCF-style: chr17-17136164-C-T.
Other names: c.-176G>A (NM_001353229.2, NM_144606.7, LRG_325t1); c.-459G>A (NM_001353230.2); c.-375G>A (NM_001353231.2).
Identifiers: ClinVar variation 322081 (VCV000322081.30), dbSNP rs117215381, ClinGen allele CA10644976.